The following is an entry in ClinVar:

NM_018139.3(DNAAF2):c.14C>T (p.Ala5Val)

Gene: DNAAF2 (dynein axonemal assembly factor 2; minus strand). Cytogenetic location: 14q21.3.
Variant type: single nucleotide variant.
Coding change: c.14C>T on transcript NM_018139.3 (MANE Select); coding-DNA position 14, C replaced by T.
Protein change: p.Ala5Val; replaces alanine 5 with valine.
Molecular consequence: missense variant.
Genome position (GRCh38, 1-based): chr14:49,635,136, G>A on the plus strand (C>T on the coding strand, the complement: DNAAF2 is on the minus strand). VCF-style: chr14-49635136-G-A. GRCh37 (hg19) VCF-style: chr14-50101854-G-A.
Other names: c.14C>T, p.Ala5Val (NM_001083908.2); short protein forms A5V.
Identifiers: ClinVar variation 1773977 (VCV001773977.2), dbSNP rs1393464338, ClinGen allele CA389633022.
Genomic context (GRCh38, chr14:49,635,136, plus strand): 5'-GAGGTGAGCCGCTGGACCTCCTCTCCGCTCAGGTCCAAGTCCTCCAGCGACGAGGAGGCC[G>A]CCGCTTTGGCCATACTGTCCTGTGGCTCCTCGCCCTCGGGCCAAAGGCGATCAGTCTGAC-3'
Protein context (NP_060609.2, residues 1-15): MAKA[Ala5Val]ASSSLEDLDL

ClinVar aggregate classification (germline): Uncertain significance (1 of 4 stars; one submission).

Conditions:
Primary ciliary dyskinesia. Also called: Ciliary dyskinesia. Identifiers: Orphanet 244, MedGen C0008780, MONDO:0016575, HP:0012265.

Allele frequency attached by ClinVar (database versions not stated): TOPMed 0.00001.
gnomAD v4.1: 7 of 1,559,360 alleles (0.00045%); highest among the groups gnomAD compares: Admixed American, 0.0096%; no homozygotes.

Submission:

Ambry Genetics
Classification: Uncertain significance for Primary ciliary dyskinesia. Last evaluated: 2021-10-25. Review status: criteria provided, single submitter. Criteria: Ambry Variant Classification Scheme 2023. Collection method: clinical testing. Allele origin: germline.
Comment: The p.A5V variant (also known as c.14C>T), located in coding exon 1 of the DNAAF2 gene, results from a C to T substitution at nucleotide position 14. The alanine at codon 5 is replaced by valine, an amino acid with similar properties. This amino acid position is conserved. In addition, this alteration is predicted to be tolerated by in silico analysis. Since supporting evidence is limited at this time, the clinical significance of this alteration remains unclear.